The following is an entry in ClinVar:

ClinVar aggregate classification (germline): Benign/Likely benign. Review status: criteria provided, multiple submitters, no conflicts (2 of 4 stars). 4 submissions from 4 submitters: Benign (1); Likely benign (2). 1 of the submissions does not count toward it. Last evaluated 2025-12-26.

Conditions:
RNF31-related disorder. Also called: RNF31-related condition.

Allele frequency attached by ClinVar (database versions not stated): gnomAD exomes 0.00011 and 0.00026; ExAC 0.00030; gnomAD 0.00104 and 0.00113; 1000 Genomes Project 30x 0.00109; TOPMed 0.00118; 1000 Genomes Project 0.00120; ESP Exome Variant Server 0.00130.
gnomAD v4.1: 330 of 1,614,152 alleles (0.02%); highest among the groups gnomAD compares: African/African-American, 0.38%; no homozygotes.

Submissions (4):

Labcorp Genetics (formerly Invitae), Labcorp
Classification: Benign. Last evaluated: 2025-12-26. Review status: criteria provided, single submitter. Criteria: Invitae Variant Classification Sherloc (09022015). Collection method: clinical testing. Allele origin: germline.

Blueprint Genetics
Classification: Likely benign. Last evaluated: 2024-06-10. Review status: criteria provided, single submitter. Criteria: ACMG Guidelines, 2015. Collection method: clinical testing. Allele origin: germline.

CeGaT Center for Human Genetics Tuebingen
Classification: Likely benign. Last evaluated: 2022-09-01. Review status: criteria provided, single submitter. Criteria: CeGaT Center For Human Genetics Tuebingen Variant Classification Criteria Version 2. Collection method: clinical testing. Allele origin: germline. Affected: yes. Observed: 2 variant alleles.
Comment: RNF31: BP4, BP7

PreventionGenetics, part of Exact Sciences
Classification: Likely benign for RNF31-related condition. Last evaluated: 2019-12-11. Review status: no assertion criteria provided. Collection method: clinical testing. Allele origin: germline. Not counted in ClinVar's aggregate classification.
Comment: This variant is classified as likely benign based on ACMG/AMP sequence variant interpretation guidelines (Richards et al. 2015 PMID: 25741868, with internal and published modifications).

NM_017999.5(RNF31):c.2928G>A (p.Glu976=)

Gene: RNF31 (ring finger protein 31; plus strand). Cytogenetic location: 14q12.
Variant type: single nucleotide variant.
Coding change: c.2928G>A on transcript NM_017999.5 (MANE Select); coding-DNA position 2928, G replaced by A.
Protein change: p.Glu976=; no amino-acid change (glutamic acid 976 retained).
Molecular consequence: synonymous variant.
Genome position (GRCh38, 1-based): chr14:24,159,892, G>A. VCF-style: chr14-24159892-G-A. GRCh37 (hg19) VCF-style: chr14-24629101-G-A.
Other names: c.2928G>A (NM_017999.4); c.2475G>A, p.Glu825= (NM_001310332.2).
Identifiers: ClinVar variation 1166489 (VCV001166489.35), dbSNP rs183022825, ClinGen allele CA7126222.